The following is an entry in ClinVar:

NM_005633.4(SOS1):c.86A>C (p.Lys29Thr)

Genes: SOS1 (SOS Ras/Rac guanine nucleotide exchange factor 1; minus strand), LOC129933535 (ATAC-STARR-seq lymphoblastoid silent region 11384; plus strand). Cytogenetic location: 2p22.1.
Variant type: single nucleotide variant.
Coding change: c.86A>C on transcript NM_005633.4 (MANE Select); coding-DNA position 86, A replaced by C.
Protein change: p.Lys29Thr; replaces lysine 29 with threonine.
Molecular consequence: missense variant. On other transcripts: intron variant (1).
Genome position (GRCh38, 1-based): chr2:39,120,337, T>G on the plus strand (A>C on the coding strand, the complement: SOS1 is on the minus strand). VCF-style: chr2-39120337-T-G. GRCh37 (hg19) VCF-style: chr2-39347478-T-G.
Other names: c.86A>C, p.Lys29Thr (NM_001382395.1); c.66+4327A>C (NM_001382394.1); short protein forms K29T.
Identifiers: ClinVar variation 2793638 (VCV002793638.3), dbSNP rs2465606172, ClinGen allele CA346374541.
Genomic context (GRCh38, chr2:39,120,337, plus strand): 5'-TCCCCAGCGCCCGCGCTGGGGGGCTGCGGCCGGGAAGCGGGGTCCCGCGTGCTCCTCACC[T>G]TTTTCAGCGCAGGCACCAGTAGTCCCCGCCACTTGGGCGCGTTCTCTTCGCTGAAAAACT-3'
Protein context (NP_005624.2, residues 19-39): WRGLLVPALK[Lys29Thr]VQGQVHPTLE

ClinVar aggregate classification (germline): Uncertain significance (1 of 4 stars; one submission).

Conditions:
RASopathy. Also called: rasopathies; Noonan spectrum disorder. Identifiers: Orphanet 536391, MedGen C5555857, MONDO:0021060.

Submission:

Labcorp Genetics (formerly Invitae), Labcorp
Classification: Uncertain significance for RASopathy. Last evaluated: 2023-02-24. Review status: criteria provided, single submitter. Criteria: Invitae Variant Classification Sherloc (09022015). Collection method: clinical testing. Allele origin: germline.
Comment: This variant is not present in population databases (gnomAD no frequency). This sequence change replaces lysine, which is basic and polar, with threonine, which is neutral and polar, at codon 29 of the SOS1 protein (p.Lys29Thr). This variant has not been reported in the literature in individuals affected with SOS1-related conditions. An algorithm developed to predict the effect of missense changes on protein structure and function (PolyPhen-2) suggests that this variant is likely to be tolerated. In summary, the available evidence is currently insufficient to determine the role of this variant in disease. Therefore, it has been classified as a Variant of Uncertain Significance.